The following is an entry in ClinVar:

ClinVar aggregate classification (germline): Likely benign (1 of 4 stars; one submission).

gnomAD v4.1: 5 of 1,613,792 alleles (0.00031%); highest among the groups gnomAD compares: Admixed American, 0.0083%; no homozygotes.

Submission:

CeGaT Center for Human Genetics Tuebingen
Classification: Likely benign. Last evaluated: 2025-04-01. Review status: criteria provided, single submitter. Criteria: CeGaT Center For Human Genetics Tuebingen Variant Classification Criteria Version 2. Collection method: clinical testing. Allele origin: germline. Affected: yes. Observed: 1 variant allele.
Comment: ITSN1: BP4, BP7

NM_003024.3(ITSN1):c.483G>A (p.Gly161=)

Gene: ITSN1 (intersectin 1; plus strand). Cytogenetic location: 21q22.11.
Variant type: single nucleotide variant.
Coding change: c.483G>A on transcript NM_003024.3 (MANE Select); coding-DNA position 483, G replaced by A.
Protein change: p.Gly161=; no amino-acid change (glycine 161 retained).
Molecular consequence: synonymous variant.
Genome position (GRCh38, 1-based): chr21:33,750,279, G>A. VCF-style: chr21-33750279-G-A. GRCh37 (hg19) VCF-style: chr21-35122584-G-A.
Other names: c.483G>A, p.Gly161= (NM_001001132.2, NM_001331008.2, NM_001331009.2 and 2 more transcripts); c.372G>A, p.Gly124= (NM_001331012.2).
Identifiers: ClinVar variation 3898663 (VCV003898663.7).